The following is an entry in ClinVar:

ClinVar aggregate classification (germline): Uncertain significance. Review status: criteria provided, multiple submitters, no conflicts (2 of 4 stars). 4 submissions from 4 submitters: Uncertain significance (4). Last evaluated 2025-07-02.

Conditions:
Inborn genetic diseases. Identifiers: MedGen C0950123, MeSH D030342.
Dopa-responsive dystonia due to sepiapterin reductase deficiency. Also called: SPR DEFICIENCY; Sepiapterin reductase deficiency; DYT-SPR. Identifiers: Orphanet 70594, MedGen C0268468, MONDO:0012994, OMIM 612716.
Dystonic disorder. Also called: Dystonia. Identifiers: MedGen C0013421, MONDO:0003441, HP:0001332.

Allele frequency attached by ClinVar (database versions not stated): gnomAD exomes 0.00001 and 0.00002; TOPMed 0.00008; gnomAD 0.00011.

Submissions (4):

Ambry Genetics
Classification: Uncertain significance for Inborn genetic diseases. Last evaluated: 2025-07-02. Review status: criteria provided, single submitter. Criteria: Ambry Variant Classification Scheme 2023. Collection method: clinical testing. Allele origin: germline.

Labcorp Genetics (formerly Invitae), Labcorp
Classification: Uncertain significance for Dystonic disorder. Last evaluated: 2024-07-31. Review status: criteria provided, single submitter. Criteria: Invitae Variant Classification Sherloc (09022015). Collection method: clinical testing. Allele origin: germline.
Comment: This sequence change replaces leucine, which is neutral and non-polar, with phenylalanine, which is neutral and non-polar, at codon 39 of the SPR protein (p.Leu39Phe). The frequency data for this variant in the population databases is considered unreliable, as metrics indicate poor data quality at this position in the gnomAD database. This variant has not been reported in the literature in individuals affected with SPR-related conditions. ClinVar contains an entry for this variant (Variation ID: 336989). Advanced modeling of protein sequence and biophysical properties (such as structural, functional, and spatial information, amino acid conservation, physicochemical variation, residue mobility, and thermodynamic stability) has been performed at Invitae for this missense variant, however the output from this modeling did not meet the statistical confidence thresholds required to predict the impact of this variant on SPR protein function. In summary, the available evidence is currently insufficient to determine the role of this variant in disease. Therefore, it has been classified as a Variant of Uncertain Significance.

Illumina Laboratory Services, Illumina
Classification: Uncertain significance for Dopa-responsive dystonia due to sepiapterin reductase deficiency. Last evaluated: 2018-01-12. Review status: criteria provided, single submitter. Criteria: ICSL Variant Classification Criteria 13 December 2019. Collection method: clinical testing. Allele origin: germline.

Breakthrough Genomics
Classification: Uncertain significance. Review status: criteria provided, single submitter. Criteria: ACMG Guidelines, 2015. Collection method: not provided. Allele origin: germline. Inheritance: Autosomal recessive inheritance. Affected: yes.

NM_003124.5(SPR):c.115C>T (p.Leu39Phe)

Genes: SPR (sepiapterin reductase; plus strand), LOC129934069 (ATAC-STARR-seq lymphoblastoid silent region 11626; plus strand). Cytogenetic location: 2p13.2.
Variant type: single nucleotide variant.
Coding change: c.115C>T on transcript NM_003124.5 (MANE Select); coding-DNA position 115, C replaced by T.
Protein change: p.Leu39Phe; replaces leucine 39 with phenylalanine.
Molecular consequence: missense variant.
Genome position (GRCh38, 1-based): chr2:72,887,547, C>T. VCF-style: chr2-72887547-C-T. GRCh37 (hg19) VCF-style: chr2-73114676-C-T.
Other names: short protein forms L39F.
Identifiers: ClinVar variation 336989 (VCV000336989.13), dbSNP rs777872233, ClinGen allele CA1708908.